The following is an entry in ClinVar:

ClinVar aggregate classification (germline): Likely benign (0 of 4 stars; one submission).

Conditions:
ARHGEF10-related disorder. Also called: ARHGEF10-related condition.

Allele frequency attached by ClinVar (database versions not stated): ExAC 0.00001; TOPMed 0.00006; gnomAD exomes 0.00001; gnomAD 0.00004.
gnomAD v4.1: 23 of 1,604,048 alleles (0.0014%); highest among the groups gnomAD compares: African/African-American, 0.025%; no homozygotes.

Submission:

PreventionGenetics, part of Exact Sciences
Classification: Likely benign for ARHGEF10-related condition. Last evaluated: 2019-04-05. Review status: no assertion criteria provided. Collection method: clinical testing. Allele origin: germline.
Comment: This variant is classified as likely benign based on ACMG/AMP sequence variant interpretation guidelines (Richards et al. 2015 PMID: 25741868, with internal and published modifications).

NM_014629.4(ARHGEF10):c.162T>G (p.Gly54=)

Gene: ARHGEF10 (Rho guanine nucleotide exchange factor 10; plus strand). Cytogenetic location: 8p23.3.
Variant type: single nucleotide variant.
Coding change: c.162T>G on transcript NM_014629.4 (MANE Select); coding-DNA position 162, T replaced by G.
Protein change: p.Gly54=; no amino-acid change (glycine 54 retained).
Molecular consequence: synonymous variant.
Genome position (GRCh38, 1-based): chr8:1,858,084, T>G. VCF-style: chr8-1858084-T-G. GRCh37 (hg19) VCF-style: chr8-1806250-T-G.
Other names: c.162T>G, p.Gly54= (NM_001308152.2, NM_001308153.3).
Identifiers: ClinVar variation 3058140 (VCV003058140.2), dbSNP rs768024049, ClinGen allele CA4599611.